The following is an entry in ClinVar:

NM_002471.4(MYH6):c.4096G>A (p.Ala1366Thr)

Gene: MYH6 (myosin heavy chain 6; minus strand). Cytogenetic location: 14q11.2.
Variant type: single nucleotide variant.
Coding change: c.4096G>A on transcript NM_002471.4 (MANE Select); coding-DNA position 4096, G replaced by A.
Protein change: p.Ala1366Thr; replaces alanine 1366 with threonine.
Molecular consequence: missense variant.
Genome position (GRCh38, 1-based): chr14:23,388,938, C>T on the plus strand (G>A on the coding strand, the complement: MYH6 is on the minus strand). VCF-style: chr14-23388938-C-T. GRCh37 (hg19) VCF-style: chr14-23858147-C-T.
Other names: short protein forms A1366T.
Identifiers: ClinVar variation 3222340 (VCV003222340.1), dbSNP rs2502153243, ClinGen allele CA389001881.

ClinVar aggregate classification (germline): Uncertain significance (1 of 4 stars; one submission).

Conditions:
Cardiovascular phenotype. Identifiers: MedGen CN230736.

Submission:

Ambry Genetics
Classification: Uncertain significance for Cardiovascular phenotype. Last evaluated: 2024-01-10. Review status: criteria provided, single submitter. Criteria: Ambry Variant Classification Scheme 2023. Collection method: clinical testing. Allele origin: germline.
Comment: The p.A1366T variant (also known as c.4096G>A), located in coding exon 27 of the MYH6 gene, results from a G to A substitution at nucleotide position 4096. The alanine at codon 1366 is replaced by threonine, an amino acid with similar properties. This amino acid position is highly conserved in available vertebrate species. In addition, the in silico prediction for this alteration is inconclusive. Since supporting evidence is limited at this time, the clinical significance of this alteration remains unclear.